The following is an entry in ClinVar:

ClinVar aggregate classification (germline): Uncertain significance. Review status: reviewed by expert panel (3 of 4 stars). 3 submissions from 3 submitters: Uncertain significance (1). 2 of the submissions do not count toward it. Last evaluated 2024-09-16.

Conditions:
Hereditary thrombocytopenia and hematologic cancer predisposition syndrome. Identifiers: Orphanet 71290, MedGen CN281654, MONDO:0011071.
Inborn genetic diseases. Identifiers: MedGen C0950123, MeSH D030342.
Hereditary thrombocytopenia and hematological cancer predisposition syndrome associated with RUNX1. Also called: Familial Platelet Disorder with Propensity to Acute Myelogenous Leukemia; Familial thrombocytopenia with propensity to acute myelogenous leukemia; PLATELET DISORDER, ASPIRIN-LIKE; RUNX1 Familial Platelet Disorder with Associated Myeloid Malignancies. Identifiers: Orphanet 71290, MedGen C1832388, MeSH C563324, MONDO:0100083, OMIM 601399.

Allele frequency attached by ClinVar (database versions not stated): gnomAD exomes below 0.00001; TOPMed below 0.00001; gnomAD 0.00001.
gnomAD v4.1: 3 of 1,565,182 alleles (0.00019%); highest among the groups gnomAD compares: Admixed American, 0.0019%; no homozygotes.

Submissions (3):

ClinGen Myeloid Malignancy Variant Curation Expert Panel
Classification: Uncertain significance for Hereditary thrombocytopenia and hematologic cancer predisposition syndrome. Last evaluated: 2024-09-16. Review status: reviewed by expert panel. Criteria: ClinGen MyeloMalig ACMG Specifications v2. Collection method: curation. Allele origin: germline. Inheritance: Autosomal dominant inheritance.
Comment: NM_001754.5(RUNX1):c.1201C>T (p.Pro401Ser) is a missense variant which has a REVEL score under 0.5 (0.15) (BP4). In summary, this variant meets the criteria to be classified as a variant of uncertain significance. ACMG/AMP criteria applied, as specified by the Myeloid Malignancy Variant Curation Expert Panel for RUNX1: BP4.

Ambry Genetics
Classification: Likely benign for Inborn genetic diseases. Last evaluated: 2025-01-31. Review status: criteria provided, single submitter. Criteria: Ambry Variant Classification Scheme 2023. Collection method: clinical testing. Allele origin: germline. Not counted in ClinVar's aggregate classification.

Labcorp Genetics (formerly Invitae), Labcorp
Classification: Uncertain significance for Hereditary thrombocytopenia and hematological cancer predisposition syndrome associated with RUNX1. Last evaluated: 2022-11-23. Review status: criteria provided, single submitter. Criteria: Invitae Variant Classification Sherloc (09022015). Collection method: clinical testing. Allele origin: germline. Not counted in ClinVar's aggregate classification.
Comment: In summary, the available evidence is currently insufficient to determine the role of this variant in disease. Therefore, it has been classified as a Variant of Uncertain Significance. Advanced modeling of protein sequence and biophysical properties (such as structural, functional, and spatial information, amino acid conservation, physicochemical variation, residue mobility, and thermodynamic stability) performed at Invitae indicates that this missense variant is not expected to disrupt RUNX1 protein function. ClinVar contains an entry for this variant (Variation ID: 580765). This variant has not been reported in the literature in individuals affected with RUNX1-related conditions. This variant is not present in population databases (gnomAD no frequency). This sequence change replaces proline, which is neutral and non-polar, with serine, which is neutral and polar, at codon 401 of the RUNX1 protein (p.Pro401Ser).

NM_001754.5(RUNX1):c.1201C>T (p.Pro401Ser)

Gene: RUNX1 (RUNX family transcription factor 1; minus strand). Cytogenetic location: 21q22.12.
Variant type: single nucleotide variant.
Coding change: c.1201C>T on transcript NM_001754.5 (MANE Select); coding-DNA position 1201, C replaced by T.
Protein change: p.Pro401Ser; replaces proline 401 with serine.
Molecular consequence: missense variant.
Genome position (GRCh38, 1-based): chr21:34,792,377, G>A on the plus strand (C>T on the coding strand, the complement: RUNX1 is on the minus strand). VCF-style: chr21-34792377-G-A. GRCh37 (hg19) VCF-style: chr21-36164674-G-A.
Other names: NM_001754.5(RUNX1):c.1201C>T; p.Pro401Ser; c.1120C>T, p.Pro374Ser (NM_001001890.3); short protein forms P401S, P374S.
Identifiers: ClinVar variation 580765 (VCV000580765.12), dbSNP rs1422877598, ClinGen allele CA410147792.